The following is an entry in ClinVar:

NM_004655.4(AXIN2):c.2163G>C (p.Gln721His)

Gene: AXIN2 (axin 2; minus strand). Cytogenetic location: 17q24.1.
Variant type: single nucleotide variant.
Coding change: c.2163G>C on transcript NM_004655.4 (MANE Select); coding-DNA position 2163, G replaced by C.
Protein change: p.Gln721His; replaces glutamine 721 with histidine.
Molecular consequence: missense variant.
Genome position (GRCh38, 1-based): chr17:65,535,700, C>G on the plus strand (G>C on the coding strand, the complement: AXIN2 is on the minus strand). VCF-style: chr17-65535700-C-G. GRCh37 (hg19) VCF-style: chr17-63531818-C-G.
Other names: c.1968G>C, p.Gln656His (NM_001363813.1); short protein forms Q656H, Q721H.
Identifiers: ClinVar variation 5032537 (VCV005032537.1).

ClinVar aggregate classification (germline): Uncertain significance (1 of 4 stars; one submission).

Conditions:
Hereditary cancer-predisposing syndrome. Also called: Neoplastic Syndromes, Hereditary; Tumor predisposition; Hereditary neoplastic syndrome; Hereditary Cancer Syndrome. Identifiers: Orphanet 140162, MedGen C0027672, MeSH D009386, MONDO:0015356.

Submission:

Ambry Genetics
Classification: Uncertain significance for Hereditary cancer-predisposing syndrome. Last evaluated: 2026-07-06. Review status: criteria provided, single submitter. Criteria: Ambry Variant Classification Scheme 2023. Collection method: clinical testing. Allele origin: germline.
Comment: The p.Q721H variant (also known as c.2163G>C), located in coding exon 8 of the AXIN2 gene, results from a G to C substitution at nucleotide position 2163. The glutamine at codon 721 is replaced by histidine, an amino acid with highly similar properties. This amino acid position is conserved. In addition, this alteration is predicted to be tolerated by in silico analysis. Based on the available evidence, the clinical significance of this variant remains unclear.